The following is an entry in ClinVar:

NM_001079843.3(CASZ1):c.337G>A (p.Gly113Ser)

Gene: CASZ1 (castor zinc finger 1; minus strand). Cytogenetic location: 1p36.22.
Variant type: single nucleotide variant.
Coding change: c.337G>A on transcript NM_001079843.3 (MANE Select); coding-DNA position 337, G replaced by A.
Protein change: p.Gly113Ser; replaces glycine 113 with serine.
Molecular consequence: missense variant.
Genome position (GRCh38, 1-based): chr1:10,665,251, C>T on the plus strand (G>A on the coding strand, the complement: CASZ1 is on the minus strand). VCF-style: chr1-10665251-C-T. GRCh37 (hg19) VCF-style: chr1-10725308-C-T.
Other names: c.337G>A, p.Gly113Ser (NM_017766.5); short protein forms G113S.
Identifiers: ClinVar variation 1431113 (VCV001431113.8), dbSNP rs2100290524, ClinGen allele CA338382369.
Genomic context (GRCh38, chr1:10,665,251, plus strand): 5'-CCTCATCGCTGCACCCCTGGGGCTGCACCATGTAGACACCCTCGGGAGGCAGCTCCAGGC[C>T]CTCGCGGGCAATCCGCCCCAACACGGGTGTGGGTGCCGGCTCCTCGCTGTACTCCCCGTT-3'
Protein context (NP_001073312.1, residues 103-123): TPVLGRIARE[Gly113Ser]LELPPEGVYM

ClinVar aggregate classification (germline): Uncertain significance (1 of 4 stars; one submission).

gnomAD v4.1: 1 of 1,605,966 alleles (0.000062%); highest among the groups gnomAD compares: Non-Finnish European, 0.000085%; no homozygotes.

Submission:

Labcorp Genetics (formerly Invitae), Labcorp
Classification: Uncertain significance. Last evaluated: 2021-06-01. Review status: criteria provided, single submitter. Criteria: Invitae Variant Classification Sherloc (09022015). Collection method: clinical testing. Allele origin: germline.
Comment: In summary, the available evidence is currently insufficient to determine the role of this variant in disease. Therefore, it has been classified as a Variant of Uncertain Significance. Algorithms developed to predict the effect of missense changes on protein structure and function output the following: SIFT: "Tolerated"; PolyPhen-2: "Benign"; Align-GVGD: "Class C0". The serine amino acid residue is found in multiple mammalian species, suggesting that this missense change does not adversely affect protein function. These predictions have not been confirmed by published functional studies and their clinical significance is uncertain. This variant has not been reported in the literature in individuals with CASZ1-related conditions. This variant is not present in population databases (ExAC no frequency). This sequence change replaces glycine with serine at codon 113 of the CASZ1 protein (p.Gly113Ser). The glycine residue is weakly conserved and there is a small physicochemical difference between glycine and serine.